The following is an entry in ClinVar:

ClinVar aggregate classification (germline): Uncertain significance (1 of 4 stars; one submission).

Conditions:
Hereditary cancer-predisposing syndrome. Also called: Tumor predisposition; Neoplastic Syndromes, Hereditary; Hereditary neoplastic syndrome; Hereditary Cancer Syndrome. Identifiers: Orphanet 140162, MedGen C0027672, MeSH D009386, MONDO:0015356.

Submission:

Ambry Genetics
Classification: Uncertain significance for Hereditary cancer-predisposing syndrome. Last evaluated: 2024-09-02. Review status: criteria provided, single submitter. Criteria: Ambry Variant Classification Scheme 2023. Collection method: clinical testing. Allele origin: germline.
Comment: The p.T52R variant (also known as c.155C>G), located in coding exon 3 of the XRCC2 gene, results from a C to G substitution at nucleotide position 155. The threonine at codon 52 is replaced by arginine, an amino acid with similar properties. This amino acid position is conserved. In addition, the in silico prediction for this alteration is inconclusive. Based on the available evidence, the clinical significance of this variant remains unclear.

NM_005431.2(XRCC2):c.155C>G (p.Thr52Arg)

Gene: XRCC2 (X-ray repair cross complementing 2; minus strand). Cytogenetic location: 7q36.1.
Variant type: single nucleotide variant.
Coding change: c.155C>G on transcript NM_005431.2 (MANE Select); coding-DNA position 155, C replaced by G.
Protein change: p.Thr52Arg; replaces threonine 52 with arginine.
Molecular consequence: missense variant.
Genome position (GRCh38, 1-based): chr7:152,649,330, G>C on the plus strand (C>G on the coding strand, the complement: XRCC2 is on the minus strand). VCF-style: chr7-152649330-G-C. GRCh37 (hg19) VCF-style: chr7-152346415-G-C.
Other names: short protein forms T52R.
Identifiers: ClinVar variation 3471467 (VCV003471467.1).